The following is an entry in ClinVar:

NM_004183.4(BEST1):c.917A>G (p.Glu306Gly)

Gene: BEST1 (bestrophin 1; plus strand). Cytogenetic location: 11q12.3.
Variant type: single nucleotide variant.
Coding change: c.917A>G on transcript NM_004183.4 (MANE Select); coding-DNA position 917, A replaced by G.
Protein change: p.Glu306Gly; replaces glutamic acid 306 with glycine.
Molecular consequence: missense variant. On other transcripts: non-coding transcript variant (1), intron variant (1).
Genome position (GRCh38, 1-based): chr11:61,959,547, A>G. VCF-style: chr11-61959547-A-G. GRCh37 (hg19) VCF-style: chr11-61727019-A-G.
Other names: c.737A>G, p.Glu246Gly (NM_001139443.3, NM_001300787.2); c.599A>G, p.Glu200Gly (NM_001363591.3); c.1120A>G, p.Arg374Gly (NM_001363592.2); c.-56A>G (NM_001363593.3); c.688-345A>G (NM_001300786.2); short protein forms E306G, R374G, E200G, E246G.
Identifiers: ClinVar variation 99779 (VCV000099779.5), dbSNP rs281865266, ClinGen allele CA227851.

ClinVar aggregate classification (germline): Pathogenic. Review status: criteria provided, single submitter (1 of 4 stars). 2 submissions from 2 submitters: Pathogenic (1). 1 of the submissions does not count toward it. Last evaluated 2024-02-24.

Submissions (2):

Labcorp Genetics (formerly Invitae), Labcorp
Classification: Pathogenic. Last evaluated: 2024-02-24. Review status: criteria provided, single submitter. Criteria: Invitae Variant Classification Sherloc (09022015). Collection method: clinical testing. Allele origin: germline.
Comment: This sequence change replaces glutamic acid, which is acidic and polar, with glycine, which is neutral and non-polar, at codon 306 of the BEST1 protein (p.Glu306Gly). This variant is not present in population databases (gnomAD no frequency). This missense change has been observed in individuals with autosomal dominant Best vitelliform macular dystrophy (PMID: 10798642, 17287362). ClinVar contains an entry for this variant (Variation ID: 99779). Advanced modeling of protein sequence and biophysical properties (such as structural, functional, and spatial information, amino acid conservation, physicochemical variation, residue mobility, and thermodynamic stability) performed at Invitae indicates that this missense variant is expected to disrupt BEST1 protein function with a positive predictive value of 95%. This variant disrupts the p.Glu306 amino acid residue in BEST1. Other variant(s) that disrupt this residue have been determined to be pathogenic (PMID: 19029375; Invitae). This suggests that this residue is clinically significant, and that variants that disrupt this residue are likely to be disease-causing. For these reasons, this variant has been classified as Pathogenic.

Retina International
No classification provided. Review status: no classification provided. Collection method: not provided. Allele origin: not provided. Not counted in ClinVar's aggregate classification.

Literature cited by the submitters: PubMed 10798642 (cited by Labcorp Genetics (formerly Invitae), Labcorp); PubMed 17287362 (cited by Labcorp Genetics (formerly Invitae), Labcorp); PubMed 19029375 (cited by Labcorp Genetics (formerly Invitae), Labcorp).